The following is an entry in ClinVar:

ClinVar aggregate classification (germline): Pathogenic (1 of 4 stars; one submission).

Submission:

Quest Diagnostics Nichols Institute San Juan Capistrano
Classification: Pathogenic. Last evaluated: 2023-01-27. Review status: criteria provided, single submitter. Criteria: ACMG/ClinGen CNV Guidelines, 2019. Collection method: clinical testing. Allele origin: unknown.
Comment: This loss partially overlaps the larger 16p11.2 recurrent deletion region (proximal, BP4-BP5) (OMIM 611913, Rehm 2015). Haploinsufficiency of PRRT2 (Rehm 2015) is associated with a variety of epilepsy-related phenotypes with overlapping features, exhibiting incomplete penetrance and variable expressivity (Yang 2020, Zhang 2015). Therefore, based on gene content and current medical literature, this copy number variant (CNV) is classified as pathogenic with reduced penetrance and variable expressivity. References: Eriksson et al., Acta Paediatr. 2015 Jun;104(6):610-8. PMID: 25661985 Golzio et al., Nature. 2012 May 16;485(7398):363-7. PMID: 22596160 Rehm et al., N Engl J Med. 2015 Jun 4;372(23):2235-42. PMID: 26014595 (HGNC:30500) (HGNC:37400) Taylow et al., GeneReviews 2021 Oct 28. PMID: 20301775 Yang et al., Brain Behav. 2020 May; 10(5): e01597. PMID: 32237035 Zhang et al., J Child Neurol. 2015 Sep;30(10):1263-9. PMID: 25403460

GRCh37/hg19 16p11.2(chr16:29383809-29957798)x1

Genes: ASPHD1 (aspartate beta-hydroxylase domain containing 1; plus strand), BOLA2 (bolA family member 2; minus strand), C16orf54 (chromosome 16 open reading frame 54; minus strand), CDIPT (CDP-diacylglycerol--inositol 3-phosphatidyltransferase; minus strand), KCTD13 (potassium channel tetramerization domain containing 13; minus strand) and 11 more. Cytogenetic location: 16p11.2.
Variant type: copy number loss.
Change: copy number 1 (one copy instead of two) of chr16:29,383,809-29,957,798 (574.0 kb, GRCh37 coordinates, 1-based), cytogenetic band 16p11.2.
Identifiers: ClinVar variation 2685569 (VCV002685569.1).